The following is an entry in ClinVar:

ClinVar aggregate classification (germline): Pathogenic. Review status: criteria provided, multiple submitters, no conflicts (2 of 4 stars). 3 submissions from 3 submitters: Pathogenic (3). Last evaluated 2025-11-25.

Conditions:
Hereditary cancer-predisposing syndrome. Also called: Tumor predisposition; Hereditary neoplastic syndrome; Neoplastic Syndromes, Hereditary; Hereditary Cancer Syndrome. Identifiers: Orphanet 140162, MedGen C0027672, MeSH D009386, MONDO:0015356.
Pheochromocytoma/paraganglioma syndrome 5. Also called: Paragangliomas 5; SDHA-Related Hereditary Paraganglioma-Pheochromocytoma Syndrome. Identifiers: Orphanet 29072, MedGen C3279992, MONDO:0013602, OMIM 614165.
Mitochondrial complex II deficiency, nuclear type 1. Also called: SUCCINATE CoQ REDUCTASE DEFICIENCY. Identifiers: Orphanet 3208, MedGen C5700310, MONDO:0100294, OMIM 252011.

Submissions (3):

Ambry Genetics
Classification: Pathogenic for Hereditary cancer-predisposing syndrome. Last evaluated: 2025-11-25. Review status: criteria provided, single submitter. Criteria: Ambry Variant Classification Scheme 2023. Collection method: clinical testing. Allele origin: germline.
Comment: The c.124_125dupAG pathogenic mutation, located in coding exon 2 of the SDHA gene, results from a duplication of AG at nucleotide position 124, causing a translational frameshift with a predicted alternate stop codon (p.A43Gfs*16). This alteration is expected to result in loss of function by premature protein truncation or nonsense-mediated mRNA decay. As such, this alteration is interpreted as a disease-causing mutation.

Labcorp Genetics (formerly Invitae), Labcorp
Classification: Pathogenic for Pheochromocytoma/paraganglioma syndrome 5; Mitochondrial complex II deficiency, nuclear type 1. Last evaluated: 2025-10-26. Review status: criteria provided, single submitter. Criteria: Invitae Variant Classification Sherloc (09022015). Collection method: clinical testing. Allele origin: germline.
Comment: This sequence change creates a premature translational stop signal (p.Ala43Glyfs*16) in the SDHA gene. It is expected to result in an absent or disrupted protein product. Loss-of-function variants in SDHA are known to be pathogenic (PMID: 22974104, 24781757). This variant is present in population databases (no rsID available, gnomAD 0.01%). This variant has not been reported in the literature in individuals affected with SDHA-related conditions. For these reasons, this variant has been classified as Pathogenic.

Myriad Genetics, Inc.
Classification: Pathogenic for Pheochromocytoma/paraganglioma syndrome 5. Last evaluated: 2024-02-07. Review status: criteria provided, single submitter. Criteria: Myriad Autosomal Dominant, Autosomal Recessive and X-Linked Classification Criteria (2023). Collection method: clinical testing. Allele origin: unknown.
Comment: This variant is considered pathogenic. This variant creates a frameshift predicted to result in premature protein truncation.

Literature cited by the submitters: PubMed 22974104 (cited by Labcorp Genetics (formerly Invitae), Labcorp); PubMed 24781757 (cited by Labcorp Genetics (formerly Invitae), Labcorp).

NM_004168.4(SDHA):c.124_125dup (p.Ala43fs)

Gene: SDHA (succinate dehydrogenase complex flavoprotein subunit A; plus strand). Cytogenetic location: 5p15.33.
Variant type: Microsatellite.
Coding change: c.124_125dup on transcript NM_004168.4 (MANE Select); coding-DNA positions 124 to 125, 2 bases duplicated (AG; older notation c.124_125dupAG).
Protein change: p.Ala43fs; shifts the reading frame from alanine 43.
Molecular consequence: frameshift variant.
Genome position (GRCh38, 1-based): chr5:223,542-223,543, AG duplicated; duplicating any 2 consecutive bases within chr5:223,540-223,543 gives the same sequence; the c. name uses the placement nearest the transcript's 3' end. VCF-style (leftmost placement, unchanged base first): chr5-223539-A-AAG. GRCh37 (hg19) VCF-style: chr5-223654-A-AAG.
Other names: c.124_125dupAG (NM_004168.2); c.124_125dup, p.Ala43fs (NM_001294332.2, NM_001330758.2); short protein forms A43fs.
Identifiers: ClinVar variation 1075636 (VCV001075636.9), dbSNP rs1385076821, ClinGen allele CA557111751.